The following is an entry in ClinVar:

ClinVar aggregate classification (germline): Likely pathogenic (1 of 4 stars; one submission).

Conditions:
Intellectual developmental disorder, autosomal recessive 7. Also called: Intellectual disability, autosomal recessive 7. Identifiers: Orphanet 88616, MedGen C1970197, MONDO:0012615, OMIM 611093.

gnomAD v4.1: 16 of 1,613,078 alleles (0.00099%); highest among the groups gnomAD compares: Non-Finnish European, 0.0014%; no homozygotes.

Submission:

Institute of Immunology and Genetics Kaiserslautern
Classification: Likely pathogenic for Intellectual developmental disorder, autosomal recessive 7. Last evaluated: 2026-01-08. Review status: criteria provided, single submitter. Criteria: ACMG Guidelines, 2015. Collection method: clinical testing. Allele origin: germline. Affected: yes.
Comment: ACMG Criteria: PVS1, PM2; Variant was found in heterozygous state.

NM_006765.4(TUSC3):c.542G>A (p.Trp181Ter)

Gene: TUSC3 (tumor suppressor candidate 3; plus strand). Cytogenetic location: 8p22.
Variant type: single nucleotide variant.
Coding change: c.542G>A on transcript NM_006765.4 (MANE Select); coding-DNA position 542, G replaced by A.
Protein change: p.Trp181Ter; replaces tryptophan 181 with a stop codon.
Molecular consequence: nonsense. On other transcripts: non-coding transcript variant (5).
Genome position (GRCh38, 1-based): chr8:15,659,622, G>A. VCF-style: chr8-15659622-G-A. GRCh37 (hg19) VCF-style: chr8-15517131-G-A.
Other names: c.542G>A, p.Trp181Ter (NM_001413688.1, NM_001413689.1, NM_001413691.1 and 16 more transcripts); c.536G>A, p.Trp179Ter (NM_001413690.1); c.374G>A, p.Trp125Ter (NM_001413669.1, NM_001413671.1, NM_001413672.1); c.482G>A, p.Trp161Ter (NM_001413670.1); c.110G>A, p.Trp37Ter (NM_001413677.1); c.155G>A, p.Trp52Ter (NM_001413678.1); short protein forms W125*, W161*, W179*, W181*, W37*, W52*.
Identifiers: ClinVar variation 4851457 (VCV004851457.1).